The following is an entry in ClinVar:

NM_000257.4(MYH7):c.1113G>C (p.Glu371Asp)

Gene: MYH7 (myosin heavy chain 7; minus strand). Cytogenetic location: 14q11.2.
Variant type: single nucleotide variant.
Coding change: c.1113G>C on transcript NM_000257.4 (MANE Select); coding-DNA position 1113, G replaced by C.
Protein change: p.Glu371Asp; replaces glutamic acid 371 with aspartic acid.
Molecular consequence: missense variant.
Genome position (GRCh38, 1-based): chr14:23,429,800, C>G on the plus strand (G>C on the coding strand, the complement: MYH7 is on the minus strand). VCF-style: chr14-23429800-C-G. GRCh37 (hg19) VCF-style: chr14-23899009-C-G.
Other names: short protein forms E371D.
Identifiers: ClinVar variation 863263 (VCV000863263.2), dbSNP rs1892853203, ClinGen allele CA389051328.

ClinVar aggregate classification (germline): Uncertain significance. Review status: criteria provided, multiple submitters, no conflicts (2 of 4 stars). 2 submissions from 2 submitters: Uncertain significance (2). Last evaluated 2019-02-13.

Conditions:
Hypertrophic cardiomyopathy. Also called: HYPERTROPHIC MYOCARDIOPATHY. Identifiers: Orphanet 217569, MedGen C0007194, MeSH D002312, MONDO:0005045, HP:0001639.

Submissions (2):

Labcorp Genetics (formerly Invitae), Labcorp
Classification: Uncertain significance for Hypertrophic cardiomyopathy. Last evaluated: 2019-02-13. Review status: criteria provided, single submitter. Criteria: Invitae Variant Classification Sherloc (09022015). Collection method: clinical testing. Allele origin: germline.
Comment: This sequence change replaces glutamic acid with aspartic acid at codon 371 of the MYH7 protein (p.Glu371Asp). The glutamic acid residue is highly conserved and there is a small physicochemical difference between glutamic acid and aspartic acid. This variant is not present in population databases (ExAC no frequency). This variant has not been reported in the literature in individuals with MYH7-related conditions. Algorithms developed to predict the effect of missense changes on protein structure and function are either unavailable or do not agree on the potential impact of this missense change (SIFT: "Deleterious"; PolyPhen-2: "Possibly Damaging"; Align-GVGD: "Class C0"). This variant is found within a region of MYH7 between codons 181 and 937 that contains the majority of the myosin head domain. Missense variants in this region have been shown to be significantly overrepresented in individuals with hypertrophic cardiomyopathy (PMID: 27532257). In summary, the available evidence is currently insufficient to determine the role of this variant in disease. Therefore, it has been classified as a Variant of Uncertain Significance.

Blueprint Genetics
Classification: Uncertain significance. Last evaluated: 2017-12-11. Review status: criteria provided, single submitter. Criteria: ACMG Guidelines, 2015. Collection method: clinical testing. Allele origin: germline.

Literature cited by the submitters: PubMed 27532257 (cited by Labcorp Genetics (formerly Invitae), Labcorp).